The following is an entry in ClinVar:

NM_002334.4(LRP4):c.1436G>A (p.Arg479His)

Gene: LRP4 (LDL receptor related protein 4; minus strand). Cytogenetic location: 11p11.2.
Variant type: single nucleotide variant.
Coding change: c.1436G>A on transcript NM_002334.4 (MANE Select); coding-DNA position 1436, G replaced by A.
Protein change: p.Arg479His; replaces arginine 479 with histidine.
Molecular consequence: missense variant.
Genome position (GRCh38, 1-based): chr11:46,894,693, C>T on the plus strand (G>A on the coding strand, the complement: LRP4 is on the minus strand). VCF-style: chr11-46894693-C-T. GRCh37 (hg19) VCF-style: chr11-46916244-C-T.
Other names: c.1436G>A (NM_002334.3); short protein forms R479H.
Identifiers: ClinVar variation 2045350 (VCV002045350.7), dbSNP rs764520299, ClinGen allele CA5970151.

ClinVar aggregate classification (germline): Uncertain significance. Review status: criteria provided, multiple submitters, no conflicts (2 of 4 stars). 2 submissions from 2 submitters: Uncertain significance (2). Last evaluated 2025-04-15.

Conditions:
Sclerosteosis 2 (SOST2). Identifiers: Orphanet 3152, MedGen C3280402, MONDO:0013679, OMIM 614305.
Congenital myasthenic syndrome 17. Identifiers: Orphanet 590, MedGen C4225377, MONDO:0014578, OMIM 616304.
Cenani-Lenz syndactyly syndrome. Also called: CENANI SYNDACTYLISM; SYNDACTYLY, TYPE VII. Identifiers: Orphanet 3258, MedGen C1859309, MONDO:0008931, OMIM 212780.
Inborn genetic diseases. Identifiers: MedGen C0950123, MeSH D030342.

Allele frequency attached by ClinVar (database versions not stated): ExAC 0.00002; gnomAD 0.00004.
gnomAD v4.1: 33 of 1,614,070 alleles (0.002%); highest among the groups gnomAD compares: East Asian, 0.029%; no homozygotes.

Submissions (2):

Ambry Genetics
Classification: Uncertain significance for Inborn genetic diseases. Last evaluated: 2025-04-15. Review status: criteria provided, single submitter. Criteria: Ambry Variant Classification Scheme 2023. Collection method: clinical testing. Allele origin: germline.

Labcorp Genetics (formerly Invitae), Labcorp
Classification: Uncertain significance for Cenani-Lenz syndactyly syndrome; Sclerosteosis 2; Congenital myasthenic syndrome 17. Last evaluated: 2022-05-24. Review status: criteria provided, single submitter. Criteria: Invitae Variant Classification Sherloc (09022015). Collection method: clinical testing. Allele origin: germline.
Comment: In summary, the available evidence is currently insufficient to determine the role of this variant in disease. Therefore, it has been classified as a Variant of Uncertain Significance. Algorithms developed to predict the effect of missense changes on protein structure and function output the following: SIFT: "Tolerated"; PolyPhen-2: "Benign"; Align-GVGD: "Class C0". The histidine amino acid residue is found in multiple mammalian species, which suggests that this missense change does not adversely affect protein function. This variant has not been reported in the literature in individuals affected with LRP4-related conditions. This variant is present in population databases (rs764520299, gnomAD 0.05%). This sequence change replaces arginine, which is basic and polar, with histidine, which is basic and polar, at codon 479 of the LRP4 protein (p.Arg479His).